The following is an entry in ClinVar:

ClinVar aggregate classification (germline): Uncertain significance (1 of 4 stars; one submission).

Conditions:
Brugada syndrome 8 (BRGDA8). Identifiers: Orphanet 130, MedGen C2751083, MONDO:0013148, OMIM 613123.

Submission:

Labcorp Genetics (formerly Invitae), Labcorp
Classification: Uncertain significance for Brugada syndrome 8. Last evaluated: 2023-10-03. Review status: criteria provided, single submitter. Criteria: Invitae Variant Classification Sherloc (09022015). Collection method: clinical testing. Allele origin: germline.
Comment: This sequence change falls in intron 7 of the HCN4 gene. It does not directly change the encoded amino acid sequence of the HCN4 protein. This variant is not present in population databases (gnomAD no frequency). This variant has not been reported in the literature in individuals affected with HCN4-related conditions. Algorithms developed to predict the effect of sequence changes on RNA splicing suggest that this variant may create or strengthen a splice site. In summary, the available evidence is currently insufficient to determine the role of this variant in disease. Therefore, it has been classified as a Variant of Uncertain Significance.

NM_005477.3(HCN4):c.2144-16T>G

Gene: HCN4 (hyperpolarization activated cyclic nucleotide gated potassium channel 4; minus strand). Cytogenetic location: 15q24.1.
Variant type: single nucleotide variant.
Coding change: c.2144-16T>G on transcript NM_005477.3 (MANE Select); 16 bases into the intron before coding-DNA position 2144, T replaced by G.
Molecular consequence: intron variant.
Genome position (GRCh38, 1-based): chr15:73,323,965, A>C on the plus strand (T>G on the coding strand, the complement: HCN4 is on the minus strand). VCF-style: chr15-73323965-A-C. GRCh37 (hg19) VCF-style: chr15-73616306-A-C.
Identifiers: ClinVar variation 2764868 (VCV002764868.3), dbSNP rs574338540, ClinGen allele CA2697549181.